The following is an entry in ClinVar:

NM_002528.7(NTHL1):c.463A>G (p.Ser155Gly)

Gene: NTHL1 (nth like DNA glycosylase 1; minus strand). Cytogenetic location: 16p13.3.
Variant type: single nucleotide variant.
Coding change: c.463A>G on transcript NM_002528.7 (MANE Select); coding-DNA position 463, A replaced by G.
Protein change: p.Ser155Gly; replaces serine 155 with glycine.
Molecular consequence: missense variant. On other transcripts: intron variant (1).
Genome position (GRCh38, 1-based): chr16:2,044,692, T>C on the plus strand (A>G on the coding strand, the complement: NTHL1 is on the minus strand). VCF-style: chr16-2044692-T-C. GRCh37 (hg19) VCF-style: chr16-2094693-T-C.
Other names: c.463A>G, p.Ser155Gly (LRG_1366t1); c.133A>G, p.Ser45Gly (NM_001318194.2); c.355-966A>G (NM_001318193.2); short protein forms S155G, S45G.
Identifiers: ClinVar variation 651214 (VCV000651214.13), dbSNP rs1322013727, ClinGen allele CA394294254.

ClinVar aggregate classification (germline): Uncertain significance. Review status: criteria provided, multiple submitters, no conflicts (2 of 4 stars). 2 submissions from 2 submitters: Uncertain significance (2). Last evaluated 2025-06-02.

Conditions:
Hereditary cancer-predisposing syndrome. Also called: Neoplastic Syndromes, Hereditary; Tumor predisposition; Hereditary Cancer Syndrome; Hereditary neoplastic syndrome. Identifiers: Orphanet 140162, MedGen C0027672, MeSH D009386, MONDO:0015356.

Allele frequency attached by ClinVar (database versions not stated): gnomAD exomes below 0.00001 and 0.00001.

Submissions (2):

Labcorp Genetics (formerly Invitae), Labcorp
Classification: Uncertain significance. Last evaluated: 2025-06-02. Review status: criteria provided, single submitter. Criteria: Invitae Variant Classification Sherloc (09022015). Collection method: clinical testing. Allele origin: germline.
Comment: This sequence change replaces serine, which is neutral and polar, with glycine, which is neutral and non-polar, at codon 163 of the NTHL1 protein (p.Ser163Gly). This variant is present in population databases (no rsID available, gnomAD 0.006%). This variant has not been reported in the literature in individuals affected with NTHL1-related conditions. ClinVar contains an entry for this variant (Variation ID: 651214). An algorithm developed to predict the effect of missense changes on protein structure and function (PolyPhen-2) suggests that this variant is likely to be tolerated. In summary, the available evidence is currently insufficient to determine the role of this variant in disease. Therefore, it has been classified as a Variant of Uncertain Significance.

Ambry Genetics
Classification: Uncertain significance for Hereditary cancer-predisposing syndrome. Last evaluated: 2023-12-30. Review status: criteria provided, single submitter. Criteria: Ambry Variant Classification Scheme 2023. Collection method: clinical testing. Allele origin: germline.
Comment: The p.S163G variant (also known as c.487A>G), located in coding exon 3 of the NTHL1 gene, results from an A to G substitution at nucleotide position 487. The serine at codon 163 is replaced by glycine, an amino acid with similar properties. This amino acid position is not well conserved in available vertebrate species. In addition, this alteration is predicted to be tolerated by in silico analysis. Since supporting evidence is limited at this time, the clinical significance of this alteration remains unclear.